The following is an entry in ClinVar:

NM_153676.4(USH1C):c.1519G>A (p.Glu507Lys)

Gene: USH1C (USH1 protein network component harmonin; minus strand). Cytogenetic location: 11p15.1.
Variant type: single nucleotide variant.
Coding change: c.1519G>A on transcript NM_153676.4 (MANE Select); coding-DNA position 1519, G replaced by A.
Protein change: p.Glu507Lys; replaces glutamic acid 507 with lysine.
Molecular consequence: missense variant. On other transcripts: intron variant (2).
Genome position (GRCh38, 1-based): chr11:17,510,416, C>T on the plus strand (G>A on the coding strand, the complement: USH1C is on the minus strand). VCF-style: chr11-17510416-C-T. GRCh37 (hg19) VCF-style: chr11-17531963-C-T.
Other names: c.1227+6985G>A (NM_001297764.2); c.1284+6985G>A (NM_005709.4); short protein forms E507K.
Identifiers: ClinVar variation 1183894 (VCV001183894.2), dbSNP rs962425019, ClinGen allele CA218449326.
Genomic context (GRCh38, chr11:17,510,416, plus strand): 5'-CATTCTGAAGACAGCAGGAGGGTCTATGTGGAAAGAAGGGCTCTGTTACCTCTGAAATCT[C>T]ATTATCAGCAGAGGAAATCTGCTCGAGGCGCGTTTGACAGAGCCTCTCCACCCAATATTG-3'
Protein context (NP_710142.1, residues 497-517): RLEQISSADN[Glu507Lys]ISEMTTGPPP

ClinVar aggregate classification (germline): Uncertain significance (1 of 4 stars; one submission).

Allele frequency attached by ClinVar (database versions not stated): gnomAD exomes below 0.00001.
gnomAD v4.1: 6 of 1,611,772 alleles (0.00037%); highest among the groups gnomAD compares: Non-Finnish European, 0.00051%; no homozygotes.

Submission:

GeneDx
Classification: Uncertain significance. Last evaluated: 2019-06-04. Review status: criteria provided, single submitter. Criteria: GeneDx Variant Classification Process June 2021. Collection method: clinical testing. Allele origin: germline. Affected: yes.
Comment: Not observed in large population cohorts (Lek et al., 2016); In silico analysis, which includes splice predictors and evolutionary conservation, supports that this variant does not alter protein structure/function